The following is an entry in ClinVar:

ClinVar aggregate classification (germline): Uncertain significance. Review status: criteria provided, multiple submitters, no conflicts (2 of 4 stars). 2 submissions from 2 submitters: Uncertain significance (2). Last evaluated 2025-11-23.

Conditions:
Malignant hyperthermia, susceptibility to, 1 (MHS1). Also called: Anesthesia related hyperthermia; Malignant hyperpyrexia; Fulminating hyperpyrexia; Pharmacogenic myopathy; RYR1-Related Malignant Hyperthermia Susceptibility; Malignant hyperthermia suceptibility 1. Identifiers: Orphanet 423, MedGen C2930980, MONDO:0007783, OMIM 145600.
Inborn genetic diseases. Identifiers: MedGen C0950123, MeSH D030342.

Allele frequency attached by ClinVar (database versions not stated): gnomAD exomes below 0.00001; ExAC 0.00001; gnomAD 0.00001; 1000 Genomes Project 30x 0.00031; 1000 Genomes Project 0.00040.
gnomAD v4.1: 8 of 1,613,782 alleles (0.0005%); highest among the groups gnomAD compares: Middle Eastern, 0.05%; 1 homozygote.

Submissions (2):

Ambry Genetics
Classification: Uncertain significance for Inborn genetic diseases. Last evaluated: 2025-11-23. Review status: criteria provided, single submitter. Criteria: Ambry Variant Classification Scheme 2023. Collection method: clinical testing. Allele origin: germline.
Comment: The c.7321C>G (p.H2441D) alteration is located in exon 45 (coding exon 45) of the RYR1 gene. This alteration results from a C to G substitution at nucleotide position 7321, causing the histidine (H) at amino acid position 2441 to be replaced by an aspartic acid (D). Based on data from gnomAD, the G allele has an overall frequency of 0.001% (3/250980) total alleles studied. The highest observed frequency was 0.003% (3/113384) of European (non-Finnish) alleles. Based on insufficient or conflicting evidence, the clinical significance of this alteration remains unclear.

All of Us Research Program, National Institutes of Health
Classification: Uncertain significance for Malignant hyperthermia, susceptibility to, 1. Last evaluated: 2024-01-11. Review status: criteria provided, single submitter. Criteria: ACMG Guidelines, 2015. Collection method: clinical testing. Allele origin: germline. Inheritance: Autosomal dominant inheritance. Observed: 4 variant alleles, 4 heterozygotes.
Comment: This missense variant replaces histidine with aspartic acid at codon 2441 of the RYR1 protein. Computational prediction suggests that this variant may have deleterious impact on protein structure and function (internally defined REVEL score threshold >= 0.7, PMID: 27666373). To our knowledge, functional studies have not been reported for this variant. This variant has not been reported in individuals affected with RYR1-related disorders in the literature. This variant has been identified in 3/250980 chromosomes in the general population by the Genome Aggregation Database (gnomAD). The available evidence is insufficient to determine the role of this variant in disease conclusively. Therefore, this variant is classified as a Variant of Uncertain Significance.

This study involves interpretation of variants in research participants for the purpose of population health screening. Participant phenotype was not available at the time of variant classification. Additional details can be found in publication PMID: 35346344, PMCID: PMC8962531

NM_000540.3(RYR1):c.7321C>G (p.His2441Asp)

Gene: RYR1 (ryanodine receptor 1; plus strand). Cytogenetic location: 19q13.2.
Variant type: single nucleotide variant.
Coding change: c.7321C>G on transcript NM_000540.3 (MANE Select); coding-DNA position 7321, C replaced by G.
Protein change: p.His2441Asp; replaces histidine 2441 with aspartic acid.
Molecular consequence: missense variant.
Genome position (GRCh38, 1-based): chr19:38,500,014, C>G. VCF-style: chr19-38500014-C-G. GRCh37 (hg19) VCF-style: chr19-38990654-C-G.
Other names: c.7321C>G, p.His2441Asp (NM_001042723.2); short protein forms H2441D.
Identifiers: ClinVar variation 3070754 (VCV003070754.2), dbSNP rs142422765, ClinGen allele CA069482.